The following is an entry in ClinVar:

NM_001378615.1(CC2D2A):c.356del (p.Leu119fs)

Genes: CC2D2A (coiled-coil and C2 domain containing 2A; plus strand), FBXL5 (F-box and leucine rich repeat protein 5; minus strand). Cytogenetic location: 4p15.32.
Variant type: Deletion.
Coding change: c.356del on transcript NM_001378615.1 (MANE Select); coding-DNA position 356, one base deleted (T; older notation c.356delT).
Protein change: p.Leu119fs; shifts the reading frame from leucine 119.
Molecular consequence: frameshift variant.
Genome position (GRCh38, 1-based): chr4:15,502,841, T deleted; the last of 2 consecutive T bases (chr4:15,502,840-15,502,841); deleting either gives the same sequence. VCF-style (leftmost placement, unchanged base first): chr4-15502839-AT-A. GRCh37 (hg19) VCF-style: chr4-15504462-AT-A.
Other names: c.356del, p.Leu119fs (NM_001080522.2); c.209del, p.Leu70fs (NM_001378617.1); short protein forms L119fs, L70fs.
Identifiers: ClinVar variation 5014039 (VCV005014039.1).

ClinVar aggregate classification (germline): Pathogenic (1 of 4 stars; one submission).

Conditions:
Joubert syndrome and related disorders. Identifiers: Orphanet 140874, MedGen C5679612, MONDO:0015369.

Submission:

Myriad Genetics, Inc.
Classification: Pathogenic for Joubert syndrome and related disorders. Last evaluated: 2025-01-30. Review status: criteria provided, single submitter. Criteria: Myriad Autosomal Dominant, Autosomal Recessive and X-Linked Classification Criteria (2023). Collection method: clinical testing. Allele origin: unknown.
Comment: NM_001080522.2(CC2D2A):c.356delT(L119Cfs*33) is expected to be pathogenic in the context of CC2D2A-related disorders. This variant is predicted to lead to an abnormal or absent protein product due to the creation of a premature termination codon in CC2D2A, a gene where loss-of-function variants are known to be pathogenic. Please note: this variant was assessed in the context of healthy population screening.